The following is an entry in ClinVar:

ClinVar aggregate classification (germline): Uncertain significance (1 of 4 stars; one submission).

Submission:

Centre of Medical Genetics, University Hospital Muenster
Classification: Uncertain significance. Last evaluated: 2021-12-08. Review status: criteria provided, single submitter. Criteria: ACMG Guidelines, 2015. Collection method: clinical testing. Allele origin: unknown. Affected: yes. Observed: 1 variant allele, 1 heterozygote.
Comment: ACMG categories: PM1,PM2,PP3

NM_138694.4(PKHD1):c.1625T>C (p.Leu542Ser)

Gene: PKHD1 (PKHD1 ciliary IPT domain containing fibrocystin/polyductin; minus strand). Cytogenetic location: 6p12.2.
Variant type: single nucleotide variant.
Coding change: c.1625T>C on transcript NM_138694.4 (MANE Select); coding-DNA position 1625, T replaced by C.
Protein change: p.Leu542Ser; replaces leucine 542 with serine.
Molecular consequence: missense variant.
Genome position (GRCh38, 1-based): chr6:52,056,766, A>G on the plus strand (T>C on the coding strand, the complement: PKHD1 is on the minus strand). VCF-style: chr6-52056766-A-G. GRCh37 (hg19) VCF-style: chr6-51921564-A-G.
Other names: c.1625T>C, p.Leu542Ser (NM_170724.3); short protein forms L542S.
Identifiers: ClinVar variation 1708300 (VCV001708300.3), dbSNP rs2533337394, ClinGen allele CA364424993.